The following is an entry in ClinVar:

ClinVar aggregate classification (germline): Uncertain significance (1 of 4 stars; one submission).

Conditions:
Hereditary cancer-predisposing syndrome. Also called: Hereditary Cancer Syndrome; Hereditary neoplastic syndrome; Neoplastic Syndromes, Hereditary; Tumor predisposition. Identifiers: Orphanet 140162, MedGen C0027672, MeSH D009386, MONDO:0015356.

Submission:

Ambry Genetics
Classification: Uncertain significance for Hereditary cancer-predisposing syndrome. Last evaluated: 2025-07-24. Review status: criteria provided, single submitter. Criteria: Ambry Variant Classification Scheme 2023. Collection method: clinical testing. Allele origin: germline.
Comment: The p.S428C variant (also known as c.1283C>G), located in coding exon 11 of the CHEK2 gene, results from a C to G substitution at nucleotide position 1283. The serine at codon 428 is replaced by cysteine, an amino acid with dissimilar properties. This amino acid position is well conserved in available vertebrate species. In addition, the in silico prediction for this alteration is inconclusive. Based on the available evidence, the clinical significance of this variant remains unclear.

NM_007194.4(CHEK2):c.1283C>G (p.Ser428Cys)

Gene: CHEK2 (checkpoint kinase 2; minus strand). Cytogenetic location: 22q12.1.
Variant type: single nucleotide variant.
Coding change: c.1283C>G on transcript NM_007194.4 (MANE Select); coding-DNA position 1283, C replaced by G.
Protein change: p.Ser428Cys; replaces serine 428 with cysteine.
Molecular consequence: missense variant.
Genome position (GRCh38, 1-based): chr22:28,695,219, G>C on the plus strand (C>G on the coding strand, the complement: CHEK2 is on the minus strand). VCF-style: chr22-28695219-G-C. GRCh37 (hg19) VCF-style: chr22-29091207-G-C.
Other names: c.1412C>G, p.Ser471Cys (NM_001005735.3); c.620C>G, p.Ser207Cys (NM_001257387.3, NM_001437942.1); c.1082C>G, p.Ser361Cys (NM_001349956.3); c.1376C>G, p.Ser459Cys (NM_001438293.1); c.1325C>G, p.Ser442Cys (NM_001438294.1); c.1289C>G, p.Ser430Cys (NM_001438295.1); c.1196C>G, p.Ser399Cys (NM_145862.3); short protein forms S361C, S428C, S207C, S471C, S442C, S459C, S399C, S430C.
Identifiers: ClinVar variation 4228006 (VCV004228006.1).